The following is an entry in ClinVar:

GRCh37/hg19 2p21(chr2:45037498-45298668)x1

Genes: SIX2 (SIX homeobox 2; minus strand), SIX3 (SIX homeobox 3; plus strand). Cytogenetic location: 2p21.
Variant type: copy number loss.
Change: copy number 1 (one copy instead of two) of chr2:45,037,498-45,298,668 (261.2 kb, GRCh37 coordinates, 1-based), cytogenetic band 2p21.
Identifiers: ClinVar variation 2684486 (VCV002684486.1).

ClinVar aggregate classification (germline): Pathogenic (1 of 4 stars; one submission).

Submission:

Quest Diagnostics Nichols Institute San Juan Capistrano
Classification: Pathogenic. Last evaluated: 2023-02-21. Review status: criteria provided, single submitter. Criteria: ACMG/ClinGen CNV Guidelines, 2019. Collection method: clinical testing. Allele origin: unknown.
Comment: This loss involves two protein-coding genes: SIX3 (OMIM 603714) and SIX2 (OMIM 604994). Haploinsufficiency of SIX3 is associated with autosomal dominant holoprosencephaly 2 (OMIM 157170). One report suggested incomplete penetrance (Stokes 2018). There are no similar copy number losses of this region in the general populations of the Database of Genomic Variants. Thus, based on gene content and current medical literature, this copy number variant (CNV) is classified as pathogenic. In the event of a multiple pregnancy, this result pertains to one fetus. References: Stokes et al., Congenit Anom (Kyoto). 2018 Jan;58(1):29-32. PMID: 28670735